The following is an entry in ClinVar:

ClinVar aggregate classification (germline): Benign. Review status: criteria provided, multiple submitters, no conflicts (2 of 4 stars). 4 submissions from 4 submitters: Benign (4). Last evaluated 2024-07-15.

Conditions:
Autosomal recessive Alport syndrome (ATS2). Also called: COL4A3-Related Nephropathy; Alport syndrome type 2; COL4A4 Alport Syndrome and Thin Basement Membrane Nephropathy; ALPORT SYNDROME 2, AUTOSOMAL RECESSIVE. Identifiers: Orphanet 63, Orphanet 88919, MedGen C4746745, MONDO:0008762, OMIM 203780.

Allele frequency attached by ClinVar (database versions not stated): gnomAD exomes 0.09479 and 0.13553; ExAC 0.14229; ESP Exome Variant Server 0.19194; gnomAD 0.20578 and 0.20743; TOPMed 0.22795; 1000 Genomes Project 0.28454.
gnomAD v4.1: 160,486 of 1,498,856 alleles (11%); highest among the groups gnomAD compares: African/African-American, 50%; 16,981 homozygotes.

Submissions (4):

Unidad de Genómica Garrahan, Hospital de Pediatría Garrahan
Classification: Benign. Last evaluated: 2024-07-15. Review status: criteria provided, single submitter. Criteria: ACMG Guidelines, 2015. Collection method: clinical testing. Allele origin: germline. Affected: no. Observed: 21 variant alleles.
Comment: This variant is classified as Benign based on local population frequency. This variant was detected in 23% of patients studied in a panel designed for Epileptic and Developmental Encephalopathy and Progressive Myoclonus Epilepsy. Number of patients: 21. Only high quality variants are reported.

Genome-Nilou Lab
Classification: Benign for Autosomal recessive Alport syndrome. Last evaluated: 2021-07-10. Review status: criteria provided, single submitter. Criteria: ACMG Guidelines, 2015. Collection method: clinical testing. Allele origin: germline. Affected: no.

GeneDx
Classification: Benign. Last evaluated: 2018-06-16. Review status: criteria provided, single submitter. Criteria: GeneDx Variant Classification (06012015). Collection method: clinical testing. Allele origin: germline. Affected: yes.
Comment: This variant is considered likely benign or benign based on one or more of the following criteria: it is a conservative change, it occurs at a poorly conserved position in the protein, it is predicted to be benign by multiple in silico algorithms, and/or has population frequency not consistent with disease.

Breakthrough Genomics
Classification: Benign. Review status: criteria provided, single submitter. Criteria: ACMG Guidelines, 2015. Collection method: not provided. Allele origin: germline. Inheritance: Autosomal recessive inheritance. Affected: yes.

NM_000092.5(COL4A4):c.657+62G>A

Gene: COL4A4 (collagen type IV alpha 4 chain; minus strand). Cytogenetic location: 2q36.3.
Variant type: single nucleotide variant.
Coding change: c.657+62G>A on transcript NM_000092.5 (MANE Select); 62 bases into the intron after coding-DNA position 657, G replaced by A.
Molecular consequence: intron variant.
Genome position (GRCh38, 1-based): chr2:227,109,162, C>T on the plus strand (G>A on the coding strand, the complement: COL4A4 is on the minus strand). VCF-style: chr2-227109162-C-T. GRCh37 (hg19) VCF-style: chr2-227973878-C-T.
Identifiers: ClinVar variation 682767 (VCV000682767.6), dbSNP rs59938187, ClinGen allele CA2145530.